The following is an entry in ClinVar:

ClinVar aggregate classification (germline): Likely benign (1 of 4 stars; one submission).

Submission:

CeGaT Center for Human Genetics Tuebingen
Classification: Likely benign. Last evaluated: 2023-05-01. Review status: criteria provided, single submitter. Criteria: CeGaT Center For Human Genetics Tuebingen Variant Classification Criteria Version 2. Collection method: clinical testing. Allele origin: germline. Affected: yes. Observed: 1 variant allele.
Comment: AKAP11: BS2

NM_016248.4(AKAP11):c.3767_3769del (p.Leu1256del)

Gene: AKAP11 (A-kinase anchoring protein 11; plus strand). Cytogenetic location: 13q14.11.
Variant type: Deletion.
Coding change: c.3767_3769del on transcript NM_016248.4 (MANE Select); coding-DNA positions 3767 to 3769, 3 bases deleted (TAT; older notation c.3767_3769delTAT).
Protein change: p.Leu1256del; deletes leucine 1256.
Molecular consequence: inframe deletion.
Genome position (GRCh38, 1-based): chr13:42,302,513-42,302,515, TAT deleted; deleting any 3 consecutive bases within chr13:42,302,511-42,302,515 gives the same sequence; the c. name uses the placement nearest the transcript's 3' end. VCF-style (leftmost placement, unchanged base first): chr13-42302510-CATT-C. GRCh37 (hg19) VCF-style: chr13-42876646-CATT-C.
Other names: short protein forms L1256del.
Identifiers: ClinVar variation 2643792 (VCV002643792.24), dbSNP rs201337751, ClinGen allele CA6966661.